The following is an entry in ClinVar:

NM_006509.4(RELB):c.947C>T (p.Thr316Ile)

Gene: RELB (RELB proto-oncogene, NF-kB subunit; plus strand). Cytogenetic location: 19q13.32.
Variant type: single nucleotide variant.
Coding change: c.947C>T on transcript NM_006509.4 (MANE Select); coding-DNA position 947, C replaced by T.
Protein change: p.Thr316Ile; replaces threonine 316 with isoleucine.
Molecular consequence: missense variant.
Genome position (GRCh38, 1-based): chr19:45,028,948, C>T. VCF-style: chr19-45028948-C-T. GRCh37 (hg19) VCF-style: chr19-45532206-C-T.
Other names: c.938C>T, p.Thr313Ile (NM_001411087.1); short protein forms T316I, T313I.
Identifiers: ClinVar variation 2128175 (VCV002128175.4), dbSNP rs749563563, ClinGen allele CA406302670.
Genomic context (GRCh38, chr19:45,028,948, plus strand): 5'-AATCCACAAACACATCAGAGCTGCGGATTTGCCGAATTAACAAGGAAAGCGGGCCGTGCA[C>T]CGGTGGCGAGGAGCTCTACTTGCTCTGCGACAAGGTGCAGAAAGGTGAGGGGCCTGGGGC-3'
Protein context (NP_006500.2, residues 306-326): CRINKESGPC[Thr316Ile]GGEELYLLCD

ClinVar aggregate classification (germline): Uncertain significance (1 of 4 stars; one submission).

gnomAD v4.1: 8 of 1,597,752 alleles (0.0005%); highest among the groups gnomAD compares: South Asian, 0.0011%; no homozygotes.

Submission:

Labcorp Genetics (formerly Invitae), Labcorp
Classification: Uncertain significance. Last evaluated: 2022-04-19. Review status: criteria provided, single submitter. Criteria: Invitae Variant Classification Sherloc (09022015). Collection method: clinical testing. Allele origin: germline.
Comment: This variant has not been reported in the literature in individuals affected with RELB-related conditions. In summary, the available evidence is currently insufficient to determine the role of this variant in disease. Therefore, it has been classified as a Variant of Uncertain Significance. Algorithms developed to predict the effect of missense changes on protein structure and function are either unavailable or do not agree on the potential impact of this missense change (SIFT: "Deleterious"; PolyPhen-2: "Possibly Damaging"; Align-GVGD: "Class C15"). The frequency data for this variant in the population databases is considered unreliable, as metrics indicate poor data quality at this position in the gnomAD database. This sequence change replaces threonine, which is neutral and polar, with isoleucine, which is neutral and non-polar, at codon 316 of the RELB protein (p.Thr316Ile).